The following is an entry in ClinVar:

NM_001039876.3(SYNE4):c.578G>A (p.Arg193Gln)

Gene: SYNE4 (spectrin repeat containing nuclear envelope family member 4; minus strand). Cytogenetic location: 19q13.12.
Variant type: single nucleotide variant.
Coding change: c.578G>A on transcript NM_001039876.3 (MANE Select); coding-DNA position 578, G replaced by A.
Protein change: p.Arg193Gln; replaces arginine 193 with glutamine.
Molecular consequence: missense variant. On other transcripts: intron variant (1).
Genome position (GRCh38, 1-based): chr19:36,006,790, C>T on the plus strand (G>A on the coding strand, the complement: SYNE4 is on the minus strand). VCF-style: chr19-36006790-C-T. GRCh37 (hg19) VCF-style: chr19-36497692-C-T.
Other names: c.578G>A (NM_001039876.1); c.280-119G>A (NM_001297735.3); short protein forms R193Q.
Identifiers: ClinVar variation 3370214 (VCV003370214.3).

ClinVar aggregate classification (germline): Uncertain significance. Review status: criteria provided, multiple submitters, no conflicts (2 of 4 stars). 3 submissions from 3 submitters: Uncertain significance (3). Last evaluated 2026-02-13.

Conditions:
SYNE4-related disorder. Also called: SYNE4-related condition.

gnomAD v4.1: 52 of 1,611,838 alleles (0.0032%); highest among the groups gnomAD compares: Non-Finnish European, 0.0039%; no homozygotes.

Submissions (3):

PreventionGenetics, part of Exact Sciences
Classification: Uncertain significance for SYNE4-related condition. Last evaluated: 2026-02-13. Review status: criteria provided, single submitter. Criteria: ACMG Guidelines, 2015. Collection method: clinical testing. Allele origin: germline.
Comment: The SYNE4 c.578G>A variant is predicted to result in the amino acid substitution p.Arg193Gln. To our knowledge, this variant has not been reported in the literature. This variant is reported in 0.0082% of alleles in individuals of European (Non-Finnish) descent in gnomAD. At this time, the clinical significance of this variant is uncertain due to the absence of conclusive functional and genetic evidence.

Ambry Genetics
Classification: Uncertain significance. Last evaluated: 2024-09-27. Review status: criteria provided, single submitter. Criteria: Ambry Variant Classification Scheme 2023. Collection method: clinical testing. Allele origin: germline.

GeneDx
Classification: Uncertain significance. Last evaluated: 2024-01-02. Review status: criteria provided, single submitter. Criteria: GeneDx Variant Classification Process June 2021. Collection method: clinical testing. Allele origin: germline. Affected: yes.
Comment: In silico analysis supports that this missense variant has a deleterious effect on protein structure/function; Has not been previously published as pathogenic or benign to our knowledge